The following is an entry in ClinVar:

ClinVar aggregate classification (germline): Uncertain significance (1 of 4 stars; one submission).

Conditions:
Spastic paraplegia. Identifiers: MedGen C0037772, HP:0001258.

Allele frequency attached by ClinVar (database versions not stated): TOPMed below 0.00001.

Submission:

Labcorp Genetics (formerly Invitae), Labcorp
Classification: Uncertain significance for Spastic paraplegia. Last evaluated: 2022-06-05. Review status: criteria provided, single submitter. Criteria: Invitae Variant Classification Sherloc (09022015). Collection method: clinical testing. Allele origin: germline.
Comment: In summary, the available evidence is currently insufficient to determine the role of this variant in disease. Therefore, it has been classified as a Variant of Uncertain Significance. This sequence change replaces glycine, which is neutral and non-polar, with arginine, which is basic and polar, at codon 7 of the GBA2 protein (p.Gly7Arg). This variant is not present in population databases (gnomAD no frequency). This variant has not been reported in the literature in individuals affected with GBA2-related conditions. Algorithms developed to predict the effect of missense changes on protein structure and function output the following: SIFT: "Tolerated"; PolyPhen-2: "Benign"; Align-GVGD: "Class C0". The arginine amino acid residue is found in multiple mammalian species, which suggests that this missense change does not adversely affect protein function.

NM_020944.3(GBA2):c.19G>A (p.Gly7Arg)

Gene: GBA2 (glucosylceramidase beta 2; minus strand). Cytogenetic location: 9p13.3.
Variant type: single nucleotide variant.
Coding change: c.19G>A on transcript NM_020944.3 (MANE Select); coding-DNA position 19, G replaced by A.
Protein change: p.Gly7Arg; replaces glycine 7 with arginine.
Molecular consequence: missense variant.
Genome position (GRCh38, 1-based): chr9:35,748,686, C>T on the plus strand (G>A on the coding strand, the complement: GBA2 is on the minus strand). VCF-style: chr9-35748686-C-T. GRCh37 (hg19) VCF-style: chr9-35748683-C-T.
Other names: c.19G>A, p.Gly7Arg (NM_001330660.2); short protein forms G7R.
Identifiers: ClinVar variation 2096871 (VCV002096871.4), dbSNP rs1827133043, ClinGen allele CA373421060.